The following is an entry in ClinVar:

ClinVar aggregate classification (germline): Uncertain significance (1 of 4 stars; one submission).

Allele frequency attached by ClinVar (database versions not stated): TOPMed below 0.00001.

Submission:

GeneDx
Classification: Uncertain significance. Last evaluated: 2022-06-13. Review status: criteria provided, single submitter. Criteria: GeneDx Variant Classification Process June 2021. Collection method: clinical testing. Allele origin: germline. Affected: yes.
Comment: Not observed at significant frequency in large population cohorts (gnomAD); In silico analysis supports that this missense variant does not alter protein structure/function; Has not been previously published as pathogenic or benign to our knowledge

NM_002103.5(GYS1):c.1196A>G (p.Lys399Arg)

Gene: GYS1 (glycogen synthase 1; minus strand). Cytogenetic location: 19q13.33.
Variant type: single nucleotide variant.
Coding change: c.1196A>G on transcript NM_002103.5 (MANE Select); coding-DNA position 1196, A replaced by G.
Protein change: p.Lys399Arg; replaces lysine 399 with arginine.
Molecular consequence: missense variant. On other transcripts: non-coding transcript variant (1).
Genome position (GRCh38, 1-based): chr19:48,978,131, T>C on the plus strand (A>G on the coding strand, the complement: GYS1 is on the minus strand). VCF-style: chr19-48978131-T-C. GRCh37 (hg19) VCF-style: chr19-49481388-T-C.
Other names: c.1004A>G, p.Lys335Arg (NM_001161587.2); short protein forms K335R, K399R.
Identifiers: ClinVar variation 1804444 (VCV001804444.1), dbSNP rs781588172, ClinGen allele CA9563052.
Genomic context (GRCh38, chr19:48,978,131, plus strand): 5'-GCACAGGGCTGAGGGTGGGGCACTCACACCAGTAAGGATTCATAAAGCTTCCTCCCGAAC[T>C]TTTCCTTCACCGTGTTGGCCGTGTCCCTGGAGGAAGCAGAGCAACAGGGTCACATACACA-3'
Protein context (NP_002094.2, residues 389-409): LWDTANTVKE[Lys399Arg]FGRKLYESLL